The following is an entry in ClinVar:

NM_018052.5(VAC14):c.1271G>T (p.Trp424Leu)

Genes: VAC14 (VAC14 component of PIKFYVE complex; minus strand), VAC14-AS1 (VAC14 antisense RNA 1; plus strand). Cytogenetic location: 16q22.1.
Variant type: single nucleotide variant.
Coding change: c.1271G>T on transcript NM_018052.5 (MANE Select); coding-DNA position 1271, G replaced by T.
Protein change: p.Trp424Leu; replaces tryptophan 424 with leucine.
Molecular consequence: missense variant.
Genome position (GRCh38, 1-based): chr16:70,762,915, C>A on the plus strand (G>T on the coding strand, the complement: VAC14 is on the minus strand). VCF-style: chr16-70762915-C-A. GRCh37 (hg19) VCF-style: chr16-70796818-C-A.
Other names: c.569G>T, p.Trp190Leu (NM_001351157.2); short protein forms W424L, W190L.
Identifiers: ClinVar variation 253140 (VCV000253140.2), dbSNP rs762388639, ClinGen allele CA8147760.
Genomic context (GRCh38, chr16:70,762,915, plus strand): 5'-CTGGCTTGGAGGGGCCCAGGGCTCACCTTCCGAGGAGTTTTGATGTAGAGGTGGTAGAGC[C>A]ACTTGAGAACTGCAATCCTGGTCATCATCCCAATGGCCGTGTCACTGAGGTGGCAGTTTA-3'
Protein context (NP_060522.3, residues 414-434): GMMTRIAVLK[Trp424Leu]LYHLYIKTPR

ClinVar aggregate classification (germline): Likely pathogenic. Review status: criteria provided, single submitter (1 of 4 stars). 2 submissions from 2 submitters: Likely pathogenic (1). 1 of the submissions does not count toward it. Last evaluated 2026-09-01.

Conditions:
Striatonigral degeneration, childhood-onset (SNDC). Also called: LENK-PLOSKI SYNDROME. Identifiers: Orphanet 497906, MedGen C4310743, MONDO:0014889, OMIM 617054.

Allele frequency attached by ClinVar (database versions not stated): gnomAD exomes below 0.00001 and 0.00001; ExAC 0.00001; gnomAD 0.00001; TOPMed 0.00001.
gnomAD v4.1: 5 of 1,614,102 alleles (0.00031%); highest among the groups gnomAD compares: Non-Finnish European, 0.00042%; no homozygotes.

Submissions (2):

CeGaT Center for Human Genetics Tuebingen
Classification: Likely pathogenic. Last evaluated: 2026-09-01. Review status: criteria provided, single submitter. Criteria: CeGaT Center For Human Genetics Tuebingen Variant Classification Criteria Version 2. Collection method: clinical testing. Allele origin: germline. Affected: yes. Observed: 1 variant allele.
Comment: VAC14: PM3:Strong, PM2, PP3

OMIM
Classification: Pathogenic for STRIATONIGRAL DEGENERATION, CHILDHOOD-ONSET. Last evaluated: 2016-07-28. Review status: no assertion criteria provided. Collection method: literature only. Allele origin: germline. Not counted in ClinVar's aggregate classification.

Literature cited by the submitters: PubMed 27292112 (cited by OMIM).